The following is an entry in ClinVar:

NM_021098.3(CACNA1H):c.819C>T (p.Thr273=)

Gene: CACNA1H (calcium voltage-gated channel subunit alpha1 H; plus strand). Cytogenetic location: 16p13.3.
Variant type: single nucleotide variant.
Coding change: c.819C>T on transcript NM_021098.3 (MANE Select); coding-DNA position 819, C replaced by T.
Protein change: p.Thr273=; no amino-acid change (threonine 273 retained).
Molecular consequence: synonymous variant.
Genome position (GRCh38, 1-based): chr16:1,200,271, C>T. VCF-style: chr16-1200271-C-T. GRCh37 (hg19) VCF-style: chr16-1250271-C-T.
Other names: c.819C>T, p.Thr273= (NM_001005407.2).
Identifiers: ClinVar variation 460191 (VCV000460191.40), dbSNP rs72552033, ClinGen allele CA7799673.

ClinVar aggregate classification (germline): Benign/Likely benign. Review status: criteria provided, multiple submitters, no conflicts (2 of 4 stars). 7 submissions from 7 submitters: Benign (5); Likely benign (1). 1 of the submissions does not count toward it. Last evaluated 2026-01-19.

Conditions:
CACNA1H-related disorder.
Epilepsy, childhood absence, susceptibility to, 6. Identifiers: Orphanet 64280, MedGen C2749872, MONDO:0012763, OMIM 611942.
Hyperaldosteronism, familial, type IV (HALD4). Also called: FH IV; ALDOSTERONISM, PRIMARY, AND HYPERTENSION. Identifiers: Orphanet 642671, MedGen C4310756, MONDO:0014875, OMIM 617027.
Idiopathic generalized epilepsy. Also called: EIG; Generalised epilepsy. Identifiers: MedGen C0270850, MONDO:0005579, OMIM 600669.

Allele frequency attached by ClinVar (database versions not stated): 1000 Genomes Project 0.00080; 1000 Genomes Project 30x 0.00094; gnomAD exomes 0.00143 and 0.00176; gnomAD 0.00148 and 0.00150; TOPMed 0.00149; ExAC 0.00204; ESP Exome Variant Server 0.00230.
gnomAD v4.1: 2,746 of 1,600,460 alleles (0.17%); highest among the groups gnomAD compares: Non-Finnish European, 0.21%; 3 homozygotes.

Submissions (7):

Labcorp Genetics (formerly Invitae), Labcorp
Classification: Benign for Idiopathic generalized epilepsy; Hyperaldosteronism, familial, type IV. Last evaluated: 2026-01-19. Review status: criteria provided, single submitter. Criteria: Invitae Variant Classification Sherloc (09022015). Collection method: clinical testing. Allele origin: germline.

Blueprint Genetics
Classification: Likely benign. Last evaluated: 2024-11-27. Review status: criteria provided, single submitter. Criteria: ACMG Guidelines, 2015. Collection method: clinical testing. Allele origin: germline.

CeGaT Center for Human Genetics Tuebingen
Classification: Benign. Last evaluated: 2023-03-01. Review status: criteria provided, single submitter. Criteria: CeGaT Center For Human Genetics Tuebingen Variant Classification Criteria Version 2. Collection method: clinical testing. Allele origin: germline. Affected: yes. Observed: 2 variant alleles.
Comment: CACNA1H: BS1, BS2

Fulgent Genetics
Classification: Benign for Epilepsy, childhood absence, susceptibility to, 6; Hyperaldosteronism, familial, type IV. Last evaluated: 2021-07-20. Review status: criteria provided, single submitter. Criteria: ACMG Guidelines, 2015. Collection method: clinical testing. Allele origin: unknown.

Athena Diagnostics
Classification: Benign. Last evaluated: 2017-11-28. Review status: criteria provided, single submitter. Criteria: Athena Diagnostics Criteria. Collection method: clinical testing. Allele origin: germline.

Breakthrough Genomics
Classification: Benign. Review status: criteria provided, single submitter. Criteria: ACMG Guidelines, 2015. Collection method: not provided. Allele origin: germline. Inheritance: Autosomal dominant inheritance. Affected: yes.

PreventionGenetics, part of Exact Sciences
Classification: Likely benign for CACNA1H-related condition. Last evaluated: 2024-01-12. Review status: no assertion criteria provided. Collection method: clinical testing. Allele origin: germline. Not counted in ClinVar's aggregate classification.
Comment: This variant is classified as likely benign based on ACMG/AMP sequence variant interpretation guidelines (Richards et al. 2015 PMID: 25741868, with internal and published modifications).